The following is an entry in ClinVar:

NM_006206.6(PDGFRA):c.3258C>G (p.Asp1086Glu)

Gene: PDGFRA (platelet derived growth factor receptor alpha; plus strand). Cytogenetic location: 4q12.
Variant type: single nucleotide variant.
Coding change: c.3258C>G on transcript NM_006206.6 (MANE Select); coding-DNA position 3258, C replaced by G.
Protein change: p.Asp1086Glu; replaces aspartic acid 1086 with glutamic acid.
Molecular consequence: missense variant.
Genome position (GRCh38, 1-based): chr4:54,295,260, C>G. VCF-style: chr4-54295260-C-G. GRCh37 (hg19) VCF-style: chr4-55161427-C-G.
Other names: c.3333C>G, p.Asp1111Glu (NM_001347828.2); c.3258C>G, p.Asp1086Glu (NM_001347829.2); c.3297C>G, p.Asp1099Glu (NM_001347830.2); short protein forms D1086E, D1099E, D1111E.
Identifiers: ClinVar variation 843613 (VCV000843613.11), dbSNP rs1205738556, ClinGen allele CA356896739.

ClinVar aggregate classification (germline): Uncertain significance. Review status: criteria provided, multiple submitters, no conflicts (2 of 4 stars). 2 submissions from 2 submitters: Uncertain significance (2). Last evaluated 2025-11-17.

Conditions:
Hereditary cancer-predisposing syndrome. Also called: Neoplastic Syndromes, Hereditary; Tumor predisposition; Hereditary Cancer Syndrome; Hereditary neoplastic syndrome. Identifiers: Orphanet 140162, MedGen C0027672, MeSH D009386, MONDO:0015356.
Gastrointestinal stromal tumor. Also called: Gastrointestinal stromal tumor, somatic; Gastrointestinal stroma tumor. Identifiers: Orphanet 44890, MedGen C0238198, MeSH D046152, MONDO:0011719, OMIM 606764, HP:0100723.

Allele frequency attached by ClinVar (database versions not stated): gnomAD exomes below 0.00001; TOPMed below 0.00001.
gnomAD v4.1: 1 of 1,614,110 alleles (0.000062%); highest among the groups gnomAD compares: Non-Finnish European, 0.000085%; no homozygotes.

Submissions (2):

Labcorp Genetics (formerly Invitae), Labcorp
Classification: Uncertain significance for Gastrointestinal stromal tumor. Last evaluated: 2025-11-17. Review status: criteria provided, single submitter. Criteria: Invitae Variant Classification Sherloc (09022015). Collection method: clinical testing. Allele origin: germline.
Comment: This sequence change replaces aspartic acid, which is acidic and polar, with glutamic acid, which is acidic and polar, at codon 1086 of the PDGFRA protein (p.Asp1086Glu). This variant is not present in population databases (gnomAD no frequency). This variant has not been reported in the literature in individuals affected with PDGFRA-related conditions. ClinVar contains an entry for this variant (Variation ID: 843613). An algorithm developed to predict the effect of missense changes on protein structure and function (PolyPhen-2) suggests that this variant is likely to be disruptive. In summary, the available evidence is currently insufficient to determine the role of this variant in disease. Therefore, it has been classified as a Variant of Uncertain Significance.

Ambry Genetics
Classification: Uncertain significance for Hereditary cancer-predisposing syndrome. Last evaluated: 2025-02-03. Review status: criteria provided, single submitter. Criteria: Ambry Variant Classification Scheme 2023. Collection method: clinical testing. Allele origin: germline.
Comment: The p.D1086E variant (also known as c.3258C>G), located in coding exon 22 of the PDGFRA gene, results from a C to G substitution at nucleotide position 3258. The aspartic acid at codon 1086 is replaced by glutamic acid, an amino acid with highly similar properties. This amino acid position is conserved. In addition, the in silico prediction for this alteration is inconclusive. Since supporting evidence is limited at this time, the clinical significance of this alteration remains unclear.